The following is an entry in ClinVar:

ClinVar aggregate classification (germline): Uncertain significance. Review status: criteria provided, multiple submitters, no conflicts (2 of 4 stars). 2 submissions from 2 submitters: Uncertain significance (2). Last evaluated 2026-07-07.

Conditions:
Oligodontia-cancer predisposition syndrome. Also called: TOOTH AGENESIS-COLORECTAL CANCER SYNDROME. Identifiers: Orphanet 300576, MedGen C1837750, MONDO:0012075, OMIM 608615. Disease mechanism: loss of function.
Hereditary cancer-predisposing syndrome. Also called: Hereditary Cancer Syndrome; Tumor predisposition; Hereditary neoplastic syndrome; Neoplastic Syndromes, Hereditary. Identifiers: Orphanet 140162, MedGen C0027672, MeSH D009386, MONDO:0015356.

Submissions (2):

Ambry Genetics
Classification: Uncertain significance for Hereditary cancer-predisposing syndrome. Last evaluated: 2026-07-07. Review status: criteria provided, single submitter. Criteria: Ambry Variant Classification Scheme 2023. Collection method: clinical testing. Allele origin: germline.
Comment: The p.K526N variant (also known as c.1578G>C), located in coding exon 5 of the AXIN2 gene, results from a G to C substitution at nucleotide position 1578. The lysine at codon 526 is replaced by asparagine, an amino acid with similar properties. This amino acid position is conserved. In addition, this alteration is predicted to be tolerated by in silico analysis. Based on the available evidence, the clinical significance of this variant remains unclear.

Labcorp Genetics (formerly Invitae), Labcorp
Classification: Uncertain significance for Oligodontia-cancer predisposition syndrome. Last evaluated: 2025-11-24. Review status: criteria provided, single submitter. Criteria: Invitae Variant Classification Sherloc (09022015). Collection method: clinical testing. Allele origin: germline.
Comment: This sequence change replaces lysine, which is basic and polar, with asparagine, which is neutral and polar, at codon 526 of the AXIN2 protein (p.Lys526Asn). This variant is not present in population databases (gnomAD no frequency). This variant has not been reported in the literature in individuals affected with AXIN2-related conditions. ClinVar contains an entry for this variant (Variation ID: 533158). Invitae Evidence Modeling of protein sequence and biophysical properties (such as structural, functional, and spatial information, amino acid conservation, physicochemical variation, residue mobility, and thermodynamic stability) has been performed for this missense variant. However, the output from this modeling did not meet the statistical confidence thresholds required to predict the impact of this variant on AXIN2 protein function. In summary, the available evidence is currently insufficient to determine the role of this variant in disease. Therefore, it has been classified as a Variant of Uncertain Significance.

NM_004655.4(AXIN2):c.1578G>C (p.Lys526Asn)

Gene: AXIN2 (axin 2; minus strand). Cytogenetic location: 17q24.1.
Variant type: single nucleotide variant.
Coding change: c.1578G>C on transcript NM_004655.4 (MANE Select); coding-DNA position 1578, G replaced by C.
Protein change: p.Lys526Asn; replaces lysine 526 with asparagine.
Molecular consequence: missense variant.
Genome position (GRCh38, 1-based): chr17:65,537,458, C>G on the plus strand (G>C on the coding strand, the complement: AXIN2 is on the minus strand). VCF-style: chr17-65537458-C-G. GRCh37 (hg19) VCF-style: chr17-63533576-C-G.
Other names: c.1578G>C, p.Lys526Asn (NM_001363813.1); c.1578G>C (LRG_296t1); short protein forms K526N.
Identifiers: ClinVar variation 533158 (VCV000533158.10), dbSNP rs1555577678, ClinGen allele CA400677226.
Genomic context (GRCh38, chr17:65,537,458, plus strand): 5'-GCCCCCAGGGCAGAAGCAGTGCACCCGCTGCGTGGCCTCCGCCTCGATCTCCTCCTTGGT[C>G]TTGGGGACGGCATGGTGGTGGATGTAGTGGTGGTGGACATGCTTCGTCGTCTGCTTGGTC-3'
Protein context (NP_004646.3, residues 516-536): HHYIHHHAVP[Lys526Asn]TKEEIEAEAT